The following is an entry in ClinVar:

NM_006073.4(TRDN):c.419A>G (p.Lys140Arg)

Gene: TRDN (triadin; minus strand). Cytogenetic location: 6q22.31.
Variant type: single nucleotide variant.
Coding change: c.419A>G on transcript NM_006073.4 (MANE Select); coding-DNA position 419, A replaced by G.
Protein change: p.Lys140Arg; replaces lysine 140 with arginine.
Molecular consequence: missense variant.
Genome position (GRCh38, 1-based): chr6:123,547,345, T>C on the plus strand (A>G on the coding strand, the complement: TRDN is on the minus strand). VCF-style: chr6-123547345-T-C. GRCh37 (hg19) VCF-style: chr6-123868490-T-C.
Other names: c.419A>G, p.Lys140Arg (NM_001251987.2, NM_001256020.2, NM_001256021.2 and 1 more transcripts); short protein forms K140R.
Identifiers: ClinVar variation 408730 (VCV000408730.17), dbSNP rs200953683, ClinGen allele CA3984390.

ClinVar aggregate classification (germline): Conflicting classifications of pathogenicity. Review status: criteria provided, conflicting classifications (1 of 4 stars). 6 submissions from 6 submitters: Uncertain significance (3); Likely benign (3). Last evaluated 2026-01-12.

Conditions:
Cardiovascular phenotype. Identifiers: MedGen CN230736.
Catecholaminergic polymorphic ventricular tachycardia 5 (CARDAR). Also called: Ventricular tachycardia, catecholaminergic polymorphic, 5, with or without muscle weakness; CARDIAC ARRHYTHMIA SYNDROME, WITH OR WITHOUT SKELETAL MUSCLE WEAKNESS. Identifiers: Orphanet 3286, MedGen C3809536, MONDO:0014191, OMIM 615441.
Catecholaminergic polymorphic ventricular tachycardia 1. Also called: VENTRICULAR TACHYCARDIA, CATECHOLAMINERGIC POLYMORPHIC, 1, WITH OR WITHOUT ATRIAL DYSFUNCTION AND/OR DILATED CARDIOMYOPATHY; RYR2-Related Catecholaminergic Polymorphic Ventricular Tachycardia; VENTRICULAR TACHYCARDIA, STRESS-INDUCED POLYMORPHIC 1. Identifiers: Orphanet 3286, MedGen C1631597, MONDO:0011484, OMIM 604772.

Allele frequency attached by ClinVar (database versions not stated): gnomAD exomes 0.00017 and 0.00021; ExAC 0.00023; TOPMed 0.00023; gnomAD 0.00017.
gnomAD v4.1: 248 of 1,462,624 alleles (0.017%); highest among the groups gnomAD compares: Admixed American, 0.034%; no homozygotes.

Submissions (6):

Women's Health and Genetics/Laboratory Corporation of America, LabCorp
Classification: Uncertain significance. Last evaluated: 2026-01-12. Review status: criteria provided, single submitter. Criteria: LabCorp Variant Classification Summary - May 2015. Collection method: clinical testing. Allele origin: germline.
Comment: Variant summary: TRDN c.419A>G (p.Lys140Arg) results in a conservative amino acid change in the encoded protein sequence. Algorithms developed to predict the effect of missense changes on protein structure and function all suggest that this variant is likely to be tolerated. The variant allele was found at a frequency of 0.00021 in 112082 control chromosomes (gnomAD). This frequency is not significantly higher than estimated for disease-causing variants in TRDN, allowing no conclusion about variant significance. c.419A>G has been reported in the literature in individuals affected with TRDN-related conditions (example: Bains_2023, Proost_2017, Scouarnec_2015). These reports do not provide unequivocal conclusions about association of the variant with Catecholaminergic Polymorphic Ventricular Tachycardia. To our knowledge, no experimental evidence demonstrating an impact on protein function has been reported. The following publications have been ascertained in the context of this evaluation (PMID: 36725176, 28341588, 25650408). ClinVar contains an entry for this variant (Variation ID: 408730). Based on the evidence outlined above, the variant was classified as uncertain significance.

Molecular Diagnostic Laboratory for Inherited Cardiovascular Disease, Montreal Heart Institute
Classification: Likely benign. Last evaluated: 2025-04-09. Review status: criteria provided, single submitter. Criteria: ACMG Guidelines, 2015. Collection method: clinical testing. Allele origin: germline. Affected: no.
Comment: PM2, BP4

Blueprint Genetics
Classification: Likely benign. Last evaluated: 2024-08-06. Review status: criteria provided, single submitter. Criteria: ACMG Guidelines, 2015. Collection method: clinical testing. Allele origin: germline.

Ambry Genetics
Classification: Likely benign for Cardiovascular phenotype. Last evaluated: 2024-05-29. Review status: criteria provided, single submitter. Criteria: Ambry Variant Classification Scheme 2023. Collection method: clinical testing. Allele origin: germline.

Labcorp Genetics (formerly Invitae), Labcorp
Classification: Uncertain significance for Catecholaminergic polymorphic ventricular tachycardia 1. Last evaluated: 2022-09-23. Review status: criteria provided, single submitter. Criteria: Invitae Variant Classification Sherloc (09022015). Collection method: clinical testing. Allele origin: germline.
Comment: This sequence change replaces lysine, which is basic and polar, with arginine, which is basic and polar, at codon 140 of the TRDN protein (p.Lys140Arg). This variant is present in population databases (rs200953683, gnomAD 0.07%). This variant has not been reported in the literature in individuals affected with TRDN-related conditions. ClinVar contains an entry for this variant (Variation ID: 408730). Advanced modeling of protein sequence and biophysical properties (such as structural, functional, and spatial information, amino acid conservation, physicochemical variation, residue mobility, and thermodynamic stability) performed at Invitae indicates that this missense variant is not expected to disrupt TRDN protein function. In summary, the available evidence is currently insufficient to determine the role of this variant in disease. Therefore, it has been classified as a Variant of Uncertain Significance.

Fulgent Genetics
Classification: Uncertain significance for Catecholaminergic polymorphic ventricular tachycardia 1; Catecholaminergic polymorphic ventricular tachycardia 5. Last evaluated: 2021-09-16. Review status: criteria provided, single submitter. Criteria: ACMG Guidelines, 2015. Collection method: clinical testing. Allele origin: unknown.

Literature cited by the submitters: PubMed 25650408 (cited by Women's Health and Genetics/Laboratory Corporation of America, LabCorp); PubMed 28341588 (cited by Women's Health and Genetics/Laboratory Corporation of America, LabCorp and Ambry Genetics); PubMed 36725176 (cited by Women's Health and Genetics/Laboratory Corporation of America, LabCorp).